The following is an entry in ClinVar:

ClinVar aggregate classification (germline): Uncertain significance. Review status: criteria provided, multiple submitters, no conflicts (2 of 4 stars). 2 submissions from 2 submitters: Uncertain significance (2). Last evaluated 2025-10-29.

Submissions (2):

GeneDx
Classification: Uncertain significance. Last evaluated: 2025-10-29. Review status: criteria provided, single submitter. Criteria: GeneDx Variant Classification Process June 2021. Collection method: clinical testing. Allele origin: germline.
Comment: In-frame duplication of 18 amino acids in a non-repeat region; Not observed at significant frequency in large population cohorts (gnomAD); Has not been previously published as pathogenic or benign to our knowledge

Blueprint Genetics
Classification: Uncertain significance. Last evaluated: 2021-09-29. Review status: criteria provided, single submitter. Criteria: ACMG Guidelines, 2015. Collection method: clinical testing. Allele origin: germline.

NM_001039141.3(TRIOBP):c.6086_6139dup (p.Leu2046_Thr2047insLysTrpGlnGluLeuGluLysLeuProLeuArgGluAsnLysArgValProLeu)

Gene: TRIOBP (TRIO and F-actin binding protein; plus strand). Cytogenetic location: 22q13.1.
Variant type: Duplication.
Coding change: c.6086_6139dup on transcript NM_001039141.3 (MANE Select); coding-DNA positions 6086 to 6139, 54 bases duplicated.
Protein change: p.Leu2046_Thr2047insLysTrpGlnGluLeuGluLysLeuProLeuArgGluAsnLysArgValProLeu.
Molecular consequence: inframe insertion.
Genome position (GRCh38, 1-based): chr22:37,758,011-37,758,064, 54 bases duplicated. GRCh37 (hg19): chr22:38,154,018-38,154,071.
Other names: c.947_1000dup, p.Leu333_Thr334insLysTrpGlnGluLeuGluLysLeuProLeuArgGluAsnLysArgValProLeu (NM_007032.5, NM_138632.2).
Identifiers: ClinVar variation 2573977 (VCV002573977.2), dbSNP rs1569058307, ClinGen allele CA639394732.